The following is an entry in ClinVar:

NM_021813.4(BACH2):c.999G>T (p.Arg333Ser)

Gene: BACH2 (BACH transcriptional regulator 2; minus strand). Cytogenetic location: 6q15.
Variant type: single nucleotide variant.
Coding change: c.999G>T on transcript NM_021813.4 (MANE Select); coding-DNA position 999, G replaced by T.
Protein change: p.Arg333Ser; replaces arginine 333 with serine.
Molecular consequence: missense variant.
Genome position (GRCh38, 1-based): chr6:89,951,107, C>A on the plus strand (G>T on the coding strand, the complement: BACH2 is on the minus strand). VCF-style: chr6-89951107-C-A. GRCh37 (hg19) VCF-style: chr6-90660826-C-A.
Other names: c.999G>T, p.Arg333Ser (NM_001170794.2); short protein forms R333S.
Identifiers: ClinVar variation 1431051 (VCV001431051.6), dbSNP rs1258603759, ClinGen allele CA365071783.

ClinVar aggregate classification (germline): Uncertain significance (1 of 4 stars; one submission).

Allele frequency attached by ClinVar (database versions not stated): gnomAD exomes below 0.00001; gnomAD 0.00001; TOPMed 0.00002.
gnomAD v4.1: 3 of 1,612,726 alleles (0.00019%); highest among the groups gnomAD compares: Non-Finnish European, 0.00017%; no homozygotes.

Submission:

Labcorp Genetics (formerly Invitae), Labcorp
Classification: Uncertain significance. Last evaluated: 2022-02-09. Review status: criteria provided, single submitter. Criteria: Invitae Variant Classification Sherloc (09022015). Collection method: clinical testing. Allele origin: germline.
Comment: In summary, the available evidence is currently insufficient to determine the role of this variant in disease. Therefore, it has been classified as a Variant of Uncertain Significance. Algorithms developed to predict the effect of missense changes on protein structure and function are either unavailable or do not agree on the potential impact of this missense change (SIFT: "Deleterious"; PolyPhen-2: "Benign"; Align-GVGD: "Class C0"). This variant has not been reported in the literature in individuals affected with BACH2-related conditions. This variant is not present in population databases (gnomAD no frequency). This sequence change replaces arginine, which is basic and polar, with serine, which is neutral and polar, at codon 333 of the BACH2 protein (p.Arg333Ser).